The following is an entry in ClinVar:

ClinVar aggregate classification (germline): Uncertain significance (1 of 4 stars; one submission).

Conditions:
Emery-Dreifuss muscular dystrophy 5, autosomal dominant (EDMD5). Also called: EMERY-DREIFUSS MUSCULAR DYSTROPHY 5. Identifiers: Orphanet 261, MedGen C2751805, MONDO:0013072, OMIM 612999.

Allele frequency attached by ClinVar (database versions not stated): TOPMed 0.00002; gnomAD 0.00003; gnomAD exomes 0.00003; ExAC 0.00005; ESP Exome Variant Server 0.00008.
gnomAD v4.1: 24 of 1,613,990 alleles (0.0015%); highest among the groups gnomAD compares: Non-Finnish European, 0.002%; no homozygotes.

Submission:

Labcorp Genetics (formerly Invitae), Labcorp
Classification: Uncertain significance for Emery-Dreifuss muscular dystrophy 5, autosomal dominant. Last evaluated: 2024-03-23. Review status: criteria provided, single submitter. Criteria: Invitae Variant Classification Sherloc (09022015). Collection method: clinical testing. Allele origin: germline.
Comment: This sequence change replaces alanine, which is neutral and non-polar, with serine, which is neutral and polar, at codon 4619 of the SYNE2 protein (p.Ala4619Ser). This variant is present in population databases (rs374462333, gnomAD 0.006%). This variant has not been reported in the literature in individuals affected with SYNE2-related conditions. ClinVar contains an entry for this variant (Variation ID: 1504683). An algorithm developed to predict the effect of missense changes on protein structure and function (PolyPhen-2) suggests that this variant is likely to be tolerated. In summary, the available evidence is currently insufficient to determine the role of this variant in disease. Therefore, it has been classified as a Variant of Uncertain Significance.

NM_182914.3(SYNE2):c.13855G>T (p.Ala4619Ser)

Gene: SYNE2 (spectrin repeat containing nuclear envelope protein 2; plus strand). Cytogenetic location: 14q23.2.
Variant type: single nucleotide variant.
Coding change: c.13855G>T on transcript NM_182914.3 (MANE Select); coding-DNA position 13855, G replaced by T.
Protein change: p.Ala4619Ser; replaces alanine 4619 with serine.
Molecular consequence: missense variant.
Genome position (GRCh38, 1-based): chr14:64,126,745, G>T. VCF-style: chr14-64126745-G-T. GRCh37 (hg19) VCF-style: chr14-64593463-G-T.
Other names: c.13855G>T, p.Ala4619Ser (NM_015180.6); short protein forms A4619S.
Identifiers: ClinVar variation 1504683 (VCV001504683.6), dbSNP rs374462333, ClinGen allele CA7222587.